The following is an entry in ClinVar:

NM_007294.4(BRCA1):c.247G>A (p.Val83Ile)

Gene: BRCA1 (BRCA1 DNA repair associated; minus strand). Cytogenetic location: 17q21.31.
Variant type: single nucleotide variant.
Coding change: c.247G>A on transcript NM_007294.4 (MANE Select); coding-DNA position 247, G replaced by A.
Protein change: p.Val83Ile; replaces valine 83 with isoleucine.
Molecular consequence: missense variant. On other transcripts: non-coding transcript variant (1).
Genome position (GRCh38, 1-based): chr17:43,104,922, C>T on the plus strand (G>A on the coding strand, the complement: BRCA1 is on the minus strand). VCF-style: chr17-43104922-C-T. GRCh37 (hg19) VCF-style: chr17-41256939-C-T.
Other names: c.106G>A, p.Val36Ile (NM_001407943.1, NM_001407739.1, NM_001407944.1 and 99 more transcripts); c.37G>A, p.Val13Ile (NM_001407887.1, NM_001407889.1, NM_001407894.1 and 58 more transcripts); c.247G>A, p.Val83Ile (NM_001408407.1, NM_001408408.1, NM_001407968.1 and 168 more transcripts); c.169G>A, p.Val57Ile (NM_001408409.1, NM_001408411.1, NM_001408412.1 and 21 more transcripts); c.-135G>A (NM_001407962.1, NM_001407963.1, NM_001407965.1 and 4 more transcripts); c.115G>A, p.Val39Ile (NM_001408451.1); short protein forms V83I, V36I, V39I, V57I, V13I.
Identifiers: ClinVar variation 629283 (VCV000629283.10), dbSNP rs1060502343, ClinGen allele CA10601663.

ClinVar aggregate classification (germline): Uncertain significance. Review status: criteria provided, multiple submitters, no conflicts (2 of 4 stars). 3 submissions from 3 submitters: Uncertain significance (3). Last evaluated 2026-08-18.

Conditions:
Hereditary cancer-predisposing syndrome. Also called: Neoplastic Syndromes, Hereditary; Hereditary Cancer Syndrome; Hereditary neoplastic syndrome; Tumor predisposition. Identifiers: Orphanet 140162, MedGen C0027672, MeSH D009386, MONDO:0015356.
Hereditary breast ovarian cancer syndrome. Also called: Breast and ovarian cancer; Hereditary breast and ovarian cancer syndrome (HBOC); BRCA1- and BRCA2-Associated Hereditary Breast and Ovarian Cancer; Hereditary breast and ovarian cancer syndrome; Hereditary breast and ovarian cancer; Hereditary breast and/or ovarian cancer syndrome. Identifiers: Orphanet 145, MedGen C0677776, MeSH D061325, MONDO:0003582. Disease mechanism: loss of function.

Allele frequency attached by ClinVar (database versions not stated): gnomAD exomes below 0.00001.
gnomAD v4.1: 6 of 1,613,902 alleles (0.00037%); highest among the groups gnomAD compares: Non-Finnish European, 0.00051%; no homozygotes.

Submissions (4):

Ambry Genetics
Classification: Uncertain significance for Hereditary cancer-predisposing syndrome. Last evaluated: 2026-08-18. Review status: criteria provided, single submitter. Criteria: Ambry Variant Classification Scheme 2023. Collection method: clinical testing. Allele origin: germline.
Comment: The p.V83I variant (also known as c.247G>A), located in coding exon 4 of the BRCA1 gene, results from a G to A substitution at nucleotide position 247. The valine at codon 83 is replaced by isoleucine, an amino acid with highly similar properties. One functional study found that this nucleotide substitution is functional in a high throughput genome editing haploid cell survival assay (Findlay GM et al. Nature, 2018 Oct;562:217-222). Based on internal structural analysis, this variant is anticipated to result in a significant decrease in structural stability (Ambry internal data). This amino acid position is well conserved in available vertebrate species. In addition, the in silico prediction for this alteration is inconclusive. Based on the available evidence, the clinical significance of this variant remains unclear.

Labcorp Genetics (formerly Invitae), Labcorp
Classification: Uncertain significance for Hereditary breast ovarian cancer syndrome. Last evaluated: 2024-05-11. Review status: criteria provided, single submitter. Criteria: Invitae Variant Classification Sherloc (09022015). Collection method: clinical testing. Allele origin: germline.
Comment: This sequence change replaces valine, which is neutral and non-polar, with isoleucine, which is neutral and non-polar, at codon 83 of the BRCA1 protein (p.Val83Ile). This variant is not present in population databases (gnomAD no frequency). This variant has not been reported in the literature in individuals affected with BRCA1-related conditions. ClinVar contains an entry for this variant (Variation ID: 629283). Advanced modeling performed at Invitae incorporating data from internal and/or published experimental studies (PMID: 30209399) indicates that this missense variant is not expected to disrupt BRCA1 function with a negative predictive value of 95%. In summary, the available evidence is currently insufficient to determine the role of this variant in disease. Therefore, it has been classified as a Variant of Uncertain Significance.

Color Diagnostics, LLC DBA Color Health
Classification: Uncertain significance for Hereditary cancer-predisposing syndrome. Last evaluated: 2019-03-20. Review status: criteria provided, single submitter. Criteria: ACMG Guidelines, 2015. Collection method: clinical testing. Allele origin: germline.

Brotman Baty Institute, University of Washington
No classification provided (evidence only). Condition: Breast-ovarian cancer, familial 1. Review status: no classification provided. Collection method: in vitro. Allele origin: not applicable. Functional consequence: functionally_normal. Not counted in ClinVar's aggregate classification.
ClinVar note: "not provided" was previously submitted as the classification for the variant. However, the classification appeared to be based only on an observation of functional data so it was converted to no classification on 2025-07-30.

Literature cited by the submitters: PubMed 30209399 (cited by Ambry Genetics and Labcorp Genetics (formerly Invitae), Labcorp).